The following is an entry in ClinVar:

NM_007294.4(BRCA1):c.5396C>G (p.Thr1799Ser)

Gene: BRCA1 (BRCA1 DNA repair associated; minus strand). Cytogenetic location: 17q21.31.
Variant type: single nucleotide variant.
Coding change: c.5396C>G on transcript NM_007294.4 (MANE Select); coding-DNA position 5396, C replaced by G.
Protein change: p.Thr1799Ser; replaces threonine 1799 with serine.
Molecular consequence: missense variant. On other transcripts: non-coding transcript variant (1), intron variant (1).
Genome position (GRCh38, 1-based): chr17:43,049,131, G>C on the plus strand (C>G on the coding strand, the complement: BRCA1 is on the minus strand). VCF-style: chr17-43049131-G-C. GRCh37 (hg19) VCF-style: chr17-41201148-G-C.
Other names: c.1943C>G, p.Thr648Ser (NM_001408459.1, NM_001408460.1, NM_001408461.1 and 7 more transcripts); c.1940C>G, p.Thr647Ser (NM_001408468.1, NM_001408469.1, NM_001408470.1); c.5249C>G, p.Thr1750Ser (NM_001407853.1, NM_001407845.1, NM_001407846.1 and 12 more transcripts); c.5186C>G, p.Thr1729Ser (NM_001407887.1, NM_001407889.1, NM_001407879.1 and 5 more transcripts); c.5183C>G, p.Thr1728Ser (NM_001407894.1, NM_001407895.1, NM_001407896.1 and 12 more transcripts); c.5180C>G, p.Thr1727Ser (NM_001407918.1, NM_001407915.1, NM_001407916.1 and 1 more transcripts); c.5132C>G, p.Thr1711Ser (NM_001407920.1, NM_001407921.1, NM_001407922.1 and 4 more transcripts); c.5129C>G, p.Thr1710Ser (NM_001407927.1, NM_001407928.1, NM_001407929.1 and 4 more transcripts); and 73 more; short protein forms T1752S, T1820S, T695S, T1799S, T1686S, T1711S, T1731S, T1750S.
Identifiers: ClinVar variation 868416 (VCV000868416.3), dbSNP rs786201945, ClinGen allele CA10590682.

Conditions:
Breast-ovarian cancer, familial, susceptibility to, 1 (BROVCA1). Also called: BRCA1 Hereditary Breast and Ovarian Cancer; OVARIAN CANCER, SUSCEPTIBILITY TO. Identifiers: Orphanet 145, MedGen C2676676, MONDO:0011450, OMIM 604370. Disease mechanism: loss of function.

Submission:

Brotman Baty Institute, University of Washington
No classification provided (evidence only). Condition: Breast-ovarian cancer, familial 1. Review status: no classification provided. Collection method: in vitro. Allele origin: not applicable. Functional consequence: functionally_normal.
ClinVar note: "not provided" was previously submitted as the classification for the variant. However, the classification appeared to be based only on an observation of functional data so it was converted to no classification on 2025-07-30.